The following is an entry in ClinVar:

ClinVar aggregate classification (germline): Uncertain significance. Review status: criteria provided, multiple submitters, no conflicts (2 of 4 stars). 3 submissions from 3 submitters: Uncertain significance (3). Last evaluated 2025-04-18.

Conditions:
Hereditary cancer-predisposing syndrome. Also called: Hereditary neoplastic syndrome; Neoplastic Syndromes, Hereditary; Tumor predisposition; Hereditary Cancer Syndrome. Identifiers: Orphanet 140162, MedGen C0027672, MeSH D009386, MONDO:0015356.
Ataxia-telangiectasia syndrome (AT). Also called: LOUIS-BAR SYNDROME; Cerebello-oculocutaneous telangiectasia; Immunodeficiency with ataxia telangiectasia; AT, COMPLEMENTATION GROUP C; Ataxia-telangiectasia, complementation group D; ATAXIA-TELANGIECTASIA, COMPLEMENTATION GROUP A. Identifiers: Orphanet 100, MedGen C0004135, MONDO:0008840, OMIM 208900.

Submissions (3):

Labcorp Genetics (formerly Invitae), Labcorp
Classification: Uncertain significance for Ataxia-telangiectasia syndrome. Last evaluated: 2025-04-18. Review status: criteria provided, single submitter. Criteria: Invitae Variant Classification Sherloc (09022015). Collection method: clinical testing. Allele origin: germline.
Comment: This sequence change replaces tryptophan, which is neutral and slightly polar, with cysteine, which is neutral and slightly polar, at codon 57 of the ATM protein (p.Trp57Cys). This variant is not present in population databases (gnomAD no frequency). This variant has not been reported in the literature in individuals affected with ATM-related conditions. ClinVar contains an entry for this variant (Variation ID: 482712). Invitae Evidence Modeling of protein sequence and biophysical properties (such as structural, functional, and spatial information, amino acid conservation, physicochemical variation, residue mobility, and thermodynamic stability) has been performed for this missense variant. However, the output from this modeling did not meet the statistical confidence thresholds required to predict the impact of this variant on ATM protein function. In summary, the available evidence is currently insufficient to determine the role of this variant in disease. Therefore, it has been classified as a Variant of Uncertain Significance.

3billion
Classification: Uncertain significance for Ataxia-telangiectasia syndrome. Last evaluated: 2025-02-26. Review status: criteria provided, single submitter. Criteria: ACMG Guidelines, 2015. Collection method: clinical testing. Allele origin: germline. Affected: yes.
Comment: The variant is observed at an extremely low frequency in the gnomAD v4.1.0 dataset (total allele frequency: <0.001%). Predicted Consequence/Location: Canonical splice site: predicted to alter splicing and result in a loss or disruption of normal protein function. Multiple pathogenic loss-of-function variants are reported downstream of the variant. In silico tools predict the variant to alter splicing and produce an abnormal transcript [SpliceAI: 0.86 (spliceogenicity >=0.2, non-spliceogenicity <0.1)]. The variant has been reported at least twice as pathogenic with clinical assertions and evidence for the classification (ClinVar ID: VCV000188125 /PMID: 30287823). Therefore, this variant is classified as Pathogenic according to the recommendation of ACMG/AMP guideline.

Ambry Genetics
Classification: Uncertain significance for Hereditary cancer-predisposing syndrome. Last evaluated: 2018-08-08. Review status: criteria provided, single submitter. Criteria: Ambry Variant Classification Scheme 2023. Collection method: clinical testing. Allele origin: germline.
Comment: The p.W57C variant (also known as c.171G>T), located in coding exon 2 of the ATM gene, results from a G to T substitution at nucleotide position 171. The tryptophan at codon 57 is replaced by cysteine, an amino acid with highly dissimilar properties. This amino acid position is highly conserved in available vertebrate species. In addition, this alteration is predicted to be deleterious by in silico analysis. Since supporting evidence is limited at this time, the clinical significance of this alteration remains unclear.

NM_000051.4(ATM):c.171G>T (p.Trp57Cys)

Gene: ATM (ATM serine/threonine kinase; plus strand). Cytogenetic location: 11q22.3.
Variant type: single nucleotide variant.
Coding change: c.171G>T on transcript NM_000051.4 (MANE Select); coding-DNA position 171, G replaced by T.
Protein change: p.Trp57Cys; replaces tryptophan 57 with cysteine.
Molecular consequence: missense variant.
Genome position (GRCh38, 1-based): chr11:108,227,874, G>T. VCF-style: chr11-108227874-G-T. GRCh37 (hg19) VCF-style: chr11-108098601-G-T.
Other names: c.171G>T, p.Trp57Cys (NM_001351834.2, NM_001351835.2, NM_001351836.2); short protein forms W57C.
Identifiers: ClinVar variation 482712 (VCV000482712.16), dbSNP rs1555054249, ClinGen allele CA382520517.